The following is an entry in ClinVar:

ClinVar aggregate classification (germline): Benign/Likely benign. Review status: criteria provided, multiple submitters, no conflicts (2 of 4 stars). 14 submissions from 13 submitters: Benign (5); Likely benign (8). 1 of the submissions does not count toward it. Last evaluated 2026-09-01.

Conditions:
Inborn genetic diseases. Identifiers: MedGen C0950123, MeSH D030342.
Hereditary spastic paraplegia. Also called: Familial spastic paraparesis. Identifiers: Orphanet 685, MedGen C0037773, MONDO:0019064. Disease mechanism: loss of function.
Neuropathy, hereditary sensory, type 1D. Identifiers: Orphanet 36386, MedGen C3150972, MONDO:0013381, OMIM 613708.
ATL1-related disorder. Also called: ATL1-related condition.
Hereditary spastic paraplegia 3A (SPG3A). Also called: Spastic paraplegia 3A, autosomal dominant; SPASTIC PARAPLEGIA 3, AUTOSOMAL DOMINANT; FAMILIAL SPASTIC PARAPLEGIA, AUTOSOMAL DOMINANT, 1; SPG3; STRUMPELL DISEASE; Spastic Paraplegia 3A. Identifiers: Orphanet 100984, MedGen C2931355, MONDO:0008437, OMIM 182600.

Allele frequency attached by ClinVar (database versions not stated): gnomAD 0.00059 and 0.00060; TOPMed 0.00060; gnomAD exomes 0.00062 and 0.00081; ESP Exome Variant Server 0.00077; ExAC 0.00079.
gnomAD v4.1: 1,020 of 1,613,214 alleles (0.063%); highest among the groups gnomAD compares: Middle Eastern, 0.43%; no homozygotes.

Submissions (14):

CeGaT Center for Human Genetics Tuebingen
Classification: Likely benign. Last evaluated: 2026-09-01. Review status: criteria provided, single submitter. Criteria: CeGaT Center For Human Genetics Tuebingen Variant Classification Criteria Version 2. Collection method: clinical testing. Allele origin: germline. Affected: yes. Observed: 8 variant alleles.
Comment: ATL1: BP4, BP7, BS1

Labcorp Genetics (formerly Invitae), Labcorp
Classification: Benign for Hereditary spastic paraplegia 3A. Last evaluated: 2026-01-21. Review status: criteria provided, single submitter. Criteria: Invitae Variant Classification Sherloc (09022015). Collection method: clinical testing. Allele origin: germline.

Mayo Clinic Laboratories, Mayo Clinic
Classification: Likely benign. Last evaluated: 2025-08-18. Review status: criteria provided, single submitter. Criteria: ACMG Guidelines, 2015. Collection method: clinical testing. Allele origin: germline. Observed: 1 variant allele.
Comment: BS1, BP4, BP7

Blueprint Genetics
Classification: Likely benign. Last evaluated: 2024-10-28. Review status: criteria provided, single submitter. Criteria: ACMG Guidelines, 2015. Collection method: clinical testing. Allele origin: germline.

Genome-Nilou Lab
Classification: Benign for Neuropathy, hereditary sensory, type 1D. Last evaluated: 2021-12-05. Review status: criteria provided, single submitter. Criteria: ACMG Guidelines, 2015. Collection method: clinical testing. Allele origin: germline. Affected: no.

Genome-Nilou Lab
Classification: Benign for Hereditary spastic paraplegia 3A. Last evaluated: 2021-12-05. Review status: criteria provided, single submitter. Criteria: ACMG Guidelines, 2015. Collection method: clinical testing. Allele origin: germline. Affected: no.

Genome Diagnostics Laboratory, The Hospital for Sick Children
Classification: Likely benign for Hereditary spastic paraplegia. Last evaluated: 2021-06-18. Review status: criteria provided, single submitter. Criteria: ACMG Guidelines, 2015. Collection method: clinical testing. Allele origin: germline. Affected: yes.

ARUP Laboratories, Molecular Genetics and Genomics, ARUP Laboratories
Classification: Likely benign. Last evaluated: 2019-12-09. Review status: criteria provided, single submitter. Criteria: ARUP Molecular Germline Variant Investigation Process. Collection method: clinical testing. Allele origin: germline.

Ambry Genetics
Classification: Likely benign for Inborn genetic diseases. Last evaluated: 2019-07-11. Review status: criteria provided, single submitter. Criteria: Ambry Variant Classification Scheme 2023. Collection method: clinical testing. Allele origin: germline.

GeneDx
Classification: Benign. Last evaluated: 2019-03-18. Review status: criteria provided, single submitter. Criteria: GeneDx Variant Classification Process June 2021. Collection method: clinical testing. Allele origin: germline. Affected: yes.

Athena Diagnostics
Classification: Benign. Last evaluated: 2017-06-28. Review status: criteria provided, single submitter. Criteria: Athena Diagnostics Criteria. Collection method: clinical testing. Allele origin: germline.

Illumina Laboratory Services, Illumina
Classification: Likely benign for Hereditary spastic paraplegia 3A. Last evaluated: 2017-04-27. Review status: criteria provided, single submitter. Criteria: ICSL Variant Classification Criteria 13 December 2019. Collection method: clinical testing. Allele origin: germline.
Comment: This variant was observed as part of a predisposition screen in an ostensibly healthy population. A literature search was performed for the gene, cDNA change, and amino acid change (where applicable). No publications were found based on this search. Allele frequency data from public databases allowed determination this variant is unlikely to cause disease. Therefore, this variant is classified as likely benign.

Breakthrough Genomics
Classification: Likely benign. Review status: criteria provided, single submitter. Criteria: ACMG Guidelines, 2015. Collection method: not provided. Allele origin: germline. Inheritance: Autosomal dominant inheritance. Affected: yes.

PreventionGenetics, part of Exact Sciences
Classification: Benign for ATL1-related condition. Last evaluated: 2019-06-20. Review status: no assertion criteria provided. Collection method: clinical testing. Allele origin: germline. Not counted in ClinVar's aggregate classification.
Comment: This variant is classified as benign based on ACMG/AMP sequence variant interpretation guidelines (Richards et al. 2015 PMID: 25741868, with internal and published modifications).

NM_015915.5(ATL1):c.669C>T (p.Tyr223=)

Gene: ATL1 (atlastin GTPase 1; plus strand). Cytogenetic location: 14q22.1.
Variant type: single nucleotide variant.
Coding change: c.669C>T on transcript NM_015915.5 (MANE Select); coding-DNA position 669, C replaced by T.
Protein change: p.Tyr223=; no amino-acid change (tyrosine 223 retained).
Molecular consequence: synonymous variant.
Genome position (GRCh38, 1-based): chr14:50,613,297, C>T. VCF-style: chr14-50613297-C-T. GRCh37 (hg19) VCF-style: chr14-51080015-C-T.
Other names: p.Tyr223=; c.669C>T, p.Tyr223= (NM_001127713.1, NM_181598.4).
Identifiers: ClinVar variation 313298 (VCV000313298.65), dbSNP rs146975855, ClinGen allele CA7180315.